The following is an entry in ClinVar:

ClinVar aggregate classification (germline): Pathogenic/Likely pathogenic. Review status: criteria provided, multiple submitters, no conflicts (2 of 4 stars). 6 submissions from 5 submitters: Pathogenic (1); Likely pathogenic (4). 1 of the submissions does not count toward it. Last evaluated 2023-04-11.

Conditions:
ADAMTSL4-related disorder. Also called: ADAMTSL4-Related Disorders; ADAMTSL4-related condition.
Ectopia lentis 2, isolated, autosomal recessive (ECTOL2). Identifiers: Orphanet 1885, MedGen C3541474, MONDO:0009152, OMIM 225100.
Ectopia lentis et pupillae. Also called: ECTOPIA LENTIS WITH ECTOPIA OF PUPIL. Identifiers: Orphanet 1885, MedGen C1644196, MONDO:0009153, OMIM 225200.

Allele frequency attached by ClinVar (database versions not stated): gnomAD exomes below 0.00001; TOPMed 0.00001.

Submissions (6):

Genome-Nilou Lab
Classification: Likely pathogenic for Ectopia lentis et pupillae. Last evaluated: 2023-04-11. Review status: criteria provided, single submitter. Criteria: ACMG Guidelines, 2015. Collection method: clinical testing. Allele origin: germline. Affected: no.

Genome-Nilou Lab
Classification: Likely pathogenic for Ectopia lentis 2, isolated, autosomal recessive. Last evaluated: 2023-04-11. Review status: criteria provided, single submitter. Criteria: ACMG Guidelines, 2015. Collection method: clinical testing. Allele origin: germline. Affected: no.

Human Genetics Bochum, Ruhr University Bochum
Classification: Likely pathogenic. Last evaluated: 2023-04-05. Review status: criteria provided, single submitter. Criteria: ACMG Guidelines, 2015. Collection method: clinical testing. Allele origin: germline. Affected: yes.
Comment: ACMG criteria used to clasify this variant: PVS1, PM2_SUP, PM3_SUP

Baylor Genetics
Classification: Likely pathogenic for Ectopia lentis et pupillae. Last evaluated: 2022-12-09. Review status: criteria provided, single submitter. Criteria: ACMG Guidelines, 2015. Collection method: clinical testing. Allele origin: unknown.

Labcorp Genetics (formerly Invitae), Labcorp
Classification: Pathogenic. Last evaluated: 2021-11-23. Review status: criteria provided, single submitter. Criteria: Invitae Variant Classification Sherloc (09022015). Collection method: clinical testing. Allele origin: germline.
Comment: This sequence change creates a premature translational stop signal (p.Glu382Serfs*39) in the ADAMTSL4 gene. It is expected to result in an absent or disrupted protein product. Loss-of-function variants in ADAMTSL4 are known to be pathogenic (PMID: 20564469, 28642162). For these reasons, this variant has been classified as Pathogenic. This variant has not been reported in the literature in individuals affected with ADAMTSL4-related conditions. This variant is not present in population databases (gnomAD no frequency).

PreventionGenetics, part of Exact Sciences
Classification: Likely pathogenic for ADAMTSL4-related condition. Last evaluated: 2024-05-03. Review status: no assertion criteria provided. Collection method: clinical testing. Allele origin: germline. Not counted in ClinVar's aggregate classification.
Comment: The ADAMTSL4 c.1143delT variant is predicted to result in a frameshift and premature protein termination (p.Glu382Serfs*39). To our knowledge, this variant has not been reported in the literature or in a large population database, indicating this variant is rare. Frameshift variants in ADAMTSL4 are expected to be pathogenic. This variant is interpreted as likely pathogenic.

Literature cited by the submitters: PubMed 20564469 (cited by Labcorp Genetics (formerly Invitae), Labcorp); PubMed 28642162 (cited by Labcorp Genetics (formerly Invitae), Labcorp).

NM_019032.6(ADAMTSL4):c.1143del (p.Glu382fs)

Genes: ADAMTSL4 (ADAMTS like 4; plus strand), ADAMTSL4-AS2 (ADAMTSL4 antisense RNA 2; minus strand). Cytogenetic location: 1q21.2.
Variant type: Deletion.
Coding change: c.1143del on transcript NM_019032.6 (MANE Select); coding-DNA position 1143, one base deleted (T; older notation c.1143delT).
Protein change: p.Glu382fs; shifts the reading frame from glutamic acid 382.
Molecular consequence: frameshift variant.
Genome position (GRCh38, 1-based): chr1:150,554,376, T deleted. VCF-style (leftmost placement, unchanged base first): chr1-150554375-CT-C. GRCh37 (hg19) VCF-style: chr1-150526851-CT-C.
Other names: c.1143del, p.Glu382fs (NM_001288607.2, NM_001288608.2, NM_001378596.1 and 1 more transcripts); c.1143del (NM_019032.5); c.1143delT (NM_019032.5); short protein forms E382fs.
Identifiers: ClinVar variation 1391151 (VCV001391151.9), dbSNP rs1461665171, ClinGen allele CA889247664.